The following is an entry in ClinVar:

NM_006947.4(SRP72):c.1486C>T (p.Pro496Ser)

Gene: SRP72 (signal recognition particle 72; plus strand). Cytogenetic location: 4q12.
Variant type: single nucleotide variant.
Coding change: c.1486C>T on transcript NM_006947.4 (MANE Select); coding-DNA position 1486, C replaced by T.
Protein change: p.Pro496Ser; replaces proline 496 with serine.
Molecular consequence: missense variant. On other transcripts: non-coding transcript variant (1).
Genome position (GRCh38, 1-based): chr4:56,490,629, C>T. VCF-style: chr4-56490629-C-T. GRCh37 (hg19) VCF-style: chr4-57356795-C-T.
Other names: c.1303C>T, p.Pro435Ser (NM_001267722.2); short protein forms P435S, P496S.
Identifiers: ClinVar variation 4865146 (VCV004865146.1).
Genomic context (GRCh38, chr4:56,490,629, plus strand): 5'-CAAAATCCAAAAGATATTCACACCCTGGCACAGCTTATTTCTGCTTACTCACTTGTAGAT[C>T]CAGAGAAAGCCAAAGCGTATCCTTTTGATTGTTATTCCTTACAGCTCCTCAGTAGCACAA-3'
Protein context (NP_008878.3, residues 486-506): QLISAYSLVD[Pro496Ser]EKAKALSKHL

ClinVar aggregate classification (germline): Uncertain significance (1 of 4 stars; one submission).

Submission:

Ambry Genetics
Classification: Uncertain significance. Last evaluated: 2026-05-16. Review status: criteria provided, single submitter. Criteria: Ambry Variant Classification Scheme 2023. Collection method: clinical testing. Allele origin: germline.
Comment: The p.P496S variant (also known as c.1486C>T), located in coding exon 15 of the SRP72 gene, results from a C to T substitution at nucleotide position 1486. The proline at codon 496 is replaced by serine, an amino acid with similar properties. This amino acid position is conserved. In addition, this alteration is predicted to be tolerated by in silico analysis. Based on the available evidence, the clinical significance of this variant remains unclear.